The following is an entry in ClinVar:

ClinVar aggregate classification (germline): Pathogenic. Review status: criteria provided, single submitter (1 of 4 stars). 2 submissions from 2 submitters: Pathogenic (1). 1 of the submissions does not count toward it. Last evaluated 2025-04-17.

Conditions:
Ornithine carbamoyltransferase deficiency (OTCD). Also called: ORNITHINE TRANSCARBAMYLASE DEFICIENCY, HYPERAMMONEMIA DUE TO; ORNITHINE TRANSCARBAMYLASE DEFICIENCY; OTC DEFICIENCY; Ornithine Carbamoyltransferase Deficiency Disease. Identifiers: Orphanet 664, MedGen C0268542, MONDO:0010703, OMIM 311250.

Submissions (2):

Labcorp Genetics (formerly Invitae), Labcorp
Classification: Pathogenic for Ornithine carbamoyltransferase deficiency. Last evaluated: 2025-04-17. Review status: criteria provided, single submitter. Criteria: Invitae Variant Classification Sherloc (09022015). Collection method: clinical testing. Allele origin: germline.
Comment: This sequence change replaces serine, which is neutral and polar, with cysteine, which is neutral and slightly polar, at codon 203 of the OTC protein (p.Ser203Cys). This variant is not present in population databases (gnomAD no frequency). This missense change has been observed in individuals with X-linked ornithine transcarbamylase deficiency (PMID: 8019569; internal data). ClinVar contains an entry for this variant (Variation ID: 97269). Invitae Evidence Modeling of protein sequence and biophysical properties (such as structural, functional, and spatial information, amino acid conservation, physicochemical variation, residue mobility, and thermodynamic stability) indicates that this missense variant is expected to disrupt OTC protein function with a positive predictive value of 95%. This variant disrupts the p.Ser302 amino acid residue in OTC. Other variant(s) that disrupt this residue have been observed in individuals with OTC-related conditions (PMID: 8019569, 33369132, 34014569), which suggests that this may be a clinically significant amino acid residue. For these reasons, this variant has been classified as Pathogenic.

GenMed Metabolism Lab
Classification: Pathogenic. Review status: no assertion criteria provided. Collection method: not provided. Allele origin: unknown. Not counted in ClinVar's aggregate classification.
ClinVar note: Converted during submission from pathogenic to Pathogenic.

Literature cited by the submitters: PubMed 8019569 (cited by Labcorp Genetics (formerly Invitae), Labcorp); PubMed 33369132 (cited by Labcorp Genetics (formerly Invitae), Labcorp); PubMed 34014569 (cited by Labcorp Genetics (formerly Invitae), Labcorp).

NM_000531.6(OTC):c.608C>G (p.Ser203Cys)

Gene: OTC (ornithine transcarbamylase; plus strand). Cytogenetic location: Xp11.4.
Variant type: single nucleotide variant.
Coding change: c.608C>G on transcript NM_000531.6 (MANE Select); coding-DNA position 608, C replaced by G.
Protein change: p.Ser203Cys; replaces serine 203 with cysteine.
Molecular consequence: missense variant.
Genome position (GRCh38, 1-based): chrX:38,403,685, C>G. VCF-style: chrX-38403685-C-G. GRCh37 (hg19) VCF-style: chrX-38262938-C-G.
Other names: short protein forms S203C.
Identifiers: ClinVar variation 97269 (VCV000097269.3), dbSNP rs72558410, ClinGen allele CA224708.